The following is an entry in ClinVar:

ClinVar aggregate classification (germline): Uncertain significance (1 of 4 stars; one submission).

Conditions:
Marfan syndrome (MFS). Also called: MARFAN SYNDROME, TYPE I; Marfan syndrome type 1; Marfan's syndrome; Marfan syndrome, classic; FBN1-Related Marfan Syndrome. Identifiers: Orphanet 284963, Orphanet 558, MedGen C0024796, MONDO:0007947, OMIM 154700.
Familial thoracic aortic aneurysm and aortic dissection (TAAD). Also called: Thoracic aortic aneurysms and dissections. Identifiers: Orphanet 91387, MedGen C4707243, MONDO:0019625.

Submission:

Labcorp Genetics (formerly Invitae), Labcorp
Classification: Uncertain significance for Marfan syndrome; Familial thoracic aortic aneurysm and aortic dissection. Last evaluated: 2024-10-10. Review status: criteria provided, single submitter. Criteria: Invitae Variant Classification Sherloc (09022015). Collection method: clinical testing. Allele origin: germline.
Comment: This sequence change replaces leucine, which is neutral and non-polar, with proline, which is neutral and non-polar, at codon 1747 of the FBN1 protein (p.Leu1747Pro). This variant is not present in population databases (gnomAD no frequency). This variant has not been reported in the literature in individuals affected with FBN1-related conditions. Invitae Evidence Modeling of protein sequence and biophysical properties (such as structural, functional, and spatial information, amino acid conservation, physicochemical variation, residue mobility, and thermodynamic stability) indicates that this missense variant is expected to disrupt FBN1 protein function with a positive predictive value of 95%. In summary, the available evidence is currently insufficient to determine the role of this variant in disease. Therefore, it has been classified as a Variant of Uncertain Significance.

NM_000138.5(FBN1):c.5240T>C (p.Leu1747Pro)

Gene: FBN1 (fibrillin 1; minus strand). Cytogenetic location: 15q21.1.
Variant type: single nucleotide variant.
Coding change: c.5240T>C on transcript NM_000138.5 (MANE Select); coding-DNA position 5240, T replaced by C.
Protein change: p.Leu1747Pro; replaces leucine 1747 with proline.
Molecular consequence: missense variant.
Genome position (GRCh38, 1-based): chr15:48,460,302, A>G on the plus strand (T>C on the coding strand, the complement: FBN1 is on the minus strand). VCF-style: chr15-48460302-A-G. GRCh37 (hg19) VCF-style: chr15-48752499-A-G.
Other names: c.5240T>C, p.Leu1747Pro (NM_001406716.1); short protein forms L1747P.
Identifiers: ClinVar variation 3754064 (VCV003754064.2).